The following is an entry in ClinVar:

ClinVar aggregate classification (germline): Uncertain significance (1 of 4 stars; one submission).

Conditions:
Cardiovascular phenotype. Identifiers: MedGen CN230736.

Submission:

Ambry Genetics
Classification: Uncertain significance for Cardiovascular phenotype. Last evaluated: 2024-09-17. Review status: criteria provided, single submitter. Criteria: Ambry Variant Classification Scheme 2023. Collection method: clinical testing. Allele origin: germline.
Comment: The p.R317H variant (also known as c.950G>A), located in coding exon 1 of the FOXE3 gene, results from a G to A substitution at nucleotide position 950. The arginine at codon 317 is replaced by histidine, an amino acid with highly similar properties. This amino acid position is conserved. In addition, the in silico prediction for this alteration is inconclusive. Based on the available evidence, the clinical significance of this variant remains unclear.

NM_012186.3(FOXE3):c.950G>A (p.Arg317His)

Genes: FOXE3 (forkhead box E3; plus strand), LINC01389 (long intergenic non-protein coding RNA 1389; minus strand). Cytogenetic location: 1p33.
Variant type: single nucleotide variant.
Coding change: c.950G>A on transcript NM_012186.3 (MANE Select); coding-DNA position 950, G replaced by A.
Protein change: p.Arg317His; replaces arginine 317 with histidine.
Molecular consequence: missense variant.
Genome position (GRCh38, 1-based): chr1:47,417,265, G>A. VCF-style: chr1-47417265-G-A. GRCh37 (hg19) VCF-style: chr1-47882937-G-A.
Other names: short protein forms R317H.
Identifiers: ClinVar variation 3516698 (VCV003516698.1).